The following is an entry in ClinVar:

NM_006231.4(POLE):c.3113C>T (p.Ser1038Phe)

Gene: POLE (DNA polymerase epsilon, catalytic subunit; minus strand). Cytogenetic location: 12q24.33.
Variant type: single nucleotide variant.
Coding change: c.3113C>T on transcript NM_006231.4 (MANE Select); coding-DNA position 3113, C replaced by T.
Protein change: p.Ser1038Phe; replaces serine 1038 with phenylalanine.
Molecular consequence: missense variant.
Genome position (GRCh38, 1-based): chr12:132,659,457, G>A on the plus strand (C>T on the coding strand, the complement: POLE is on the minus strand). VCF-style: chr12-132659457-G-A. GRCh37 (hg19) VCF-style: chr12-133236043-G-A.
Other names: short protein forms S1038F.
Identifiers: ClinVar variation 1353289 (VCV001353289.8), dbSNP rs1593772724, ClinGen allele CA387391678.

ClinVar aggregate classification (germline): Uncertain significance (1 of 4 stars; one submission).

Submission:

Labcorp Genetics (formerly Invitae), Labcorp
Classification: Uncertain significance. Last evaluated: 2021-05-12. Review status: criteria provided, single submitter. Criteria: Invitae Variant Classification Sherloc (09022015). Collection method: clinical testing. Allele origin: germline.
Comment: This variant has not been reported in the literature in individuals with POLE-related conditions. This variant is not present in population databases (ExAC no frequency). This sequence change replaces serine with phenylalanine at codon 1038 of the POLE protein (p.Ser1038Phe). The serine residue is highly conserved and there is a large physicochemical difference between serine and phenylalanine. Algorithms developed to predict the effect of missense changes on protein structure and function (SIFT, PolyPhen-2, Align-GVGD) all suggest that this variant is likely to be disruptive, but these predictions have not been confirmed by published functional studies and their clinical significance is uncertain. In summary, the available evidence is currently insufficient to determine the role of this variant in disease. Therefore, it has been classified as a Variant of Uncertain Significance.